The following is an entry in ClinVar:

NM_003745.2(SOCS1):c.16C>G (p.Gln6Glu)

Genes: SOCS1 (suppressor of cytokine signaling 1; minus strand), LOC130058479 (ATAC-STARR-seq lymphoblastoid silent region 7198; plus strand). Cytogenetic location: 16p13.13.
Variant type: single nucleotide variant.
Coding change: c.16C>G on transcript NM_003745.2 (MANE Select); coding-DNA position 16, C replaced by G.
Protein change: p.Gln6Glu; replaces glutamine 6 with glutamic acid.
Molecular consequence: missense variant.
Genome position (GRCh38, 1-based): chr16:11,255,463, G>C on the plus strand (C>G on the coding strand, the complement: SOCS1 is on the minus strand). VCF-style: chr16-11255463-G-C. GRCh37 (hg19) VCF-style: chr16-11349320-G-C.
Other names: short protein forms Q6E.
Identifiers: ClinVar variation 135273 (VCV000135273.1), dbSNP rs587778692, ClinGen allele CA162192.

ClinVar aggregate classification (germline): not provided (0 of 4 stars; one submission).

Allele frequency attached by ClinVar (database versions not stated): TOPMed 0.00002; gnomAD 0.00003.
gnomAD v4.1: 12 of 1,291,870 alleles (0.00093%); highest among the groups gnomAD compares: Non-Finnish European, 0.00029%; no homozygotes.

Submission:

ITMI
No classification provided. Condition: AllHighlyPenetrant. Last evaluated: 2013-09-19. Review status: no classification provided. Collection method: reference population. Allele origin: germline.
Comment: Please see associated publication for description of ethnicities

Literature cited by the submitters: PubMed 24728327.